The following is an entry in ClinVar:

NM_001039141.3(TRIOBP):c.5318G>A (p.Arg1773Gln)

Gene: TRIOBP (TRIO and F-actin binding protein; plus strand). Cytogenetic location: 22q13.1.
Variant type: single nucleotide variant.
Coding change: c.5318G>A on transcript NM_001039141.3 (MANE Select); coding-DNA position 5318, G replaced by A.
Protein change: p.Arg1773Gln; replaces arginine 1773 with glutamine.
Molecular consequence: missense variant.
Genome position (GRCh38, 1-based): chr22:37,741,028, G>A. VCF-style: chr22-37741028-G-A. GRCh37 (hg19) VCF-style: chr22-38137035-G-A.
Other names: c.5318G>A (NM_001039141.2); short protein forms R1773Q.
Identifiers: ClinVar variation 1404201 (VCV001404201.9), dbSNP rs775160518, ClinGen allele CA10224564.
Genomic context (GRCh38, chr22:37,741,028, plus strand): 5'-CCGGGGACCGGCCCACGCTGTTCAATCCGTTCCTGCTGTCTCTGGGGGTCCTCAGGTGGC[G>A]AAGGGTAGGCTGGCTCCAGTGGGGACTGGAGGGGTGAGGGTGGATAGAGACGGGGATGGG-3'
Protein context (NP_001034230.1, residues 1763-1783): FLLSLGVLRW[Arg1773Gln]RPDLLNFKKG

ClinVar aggregate classification (germline): Uncertain significance. Review status: criteria provided, multiple submitters, no conflicts (2 of 4 stars). 2 submissions from 2 submitters: Uncertain significance (2). Last evaluated 2023-12-04.

Allele frequency attached by ClinVar (database versions not stated): TOPMed below 0.00001; gnomAD 0.00001; gnomAD exomes 0.00002.
gnomAD v4.1: 28 of 1,562,860 alleles (0.0018%); highest among the groups gnomAD compares: Non-Finnish European, 0.0023%; no homozygotes.

Submissions (2):

GeneDx
Classification: Uncertain significance. Last evaluated: 2023-12-04. Review status: criteria provided, single submitter. Criteria: GeneDx Variant Classification Process June 2021. Collection method: clinical testing. Allele origin: germline. Affected: yes.
Comment: Not observed at significant frequency in large population cohorts (gnomAD); Has not been previously published as pathogenic or benign to our knowledge

Labcorp Genetics (formerly Invitae), Labcorp
Classification: Uncertain significance. Last evaluated: 2022-02-08. Review status: criteria provided, single submitter. Criteria: Invitae Variant Classification Sherloc (09022015). Collection method: clinical testing. Allele origin: germline.
Comment: In summary, the available evidence is currently insufficient to determine the role of this variant in disease. Therefore, it has been classified as a Variant of Uncertain Significance. Algorithms developed to predict the effect of missense changes on protein structure and function output the following: SIFT: "Tolerated"; PolyPhen-2: "Benign"; Align-GVGD: "Class C0". The glutamine amino acid residue is found in multiple mammalian species, which suggests that this missense change does not adversely affect protein function. This variant has not been reported in the literature in individuals affected with TRIOBP-related conditions. The frequency data for this variant in the population databases is considered unreliable, as metrics indicate poor data quality at this position in the gnomAD database. This sequence change replaces arginine, which is basic and polar, with glutamine, which is neutral and polar, at codon 1773 of the TRIOBP protein (p.Arg1773Gln).